The following is an entry in ClinVar:

NM_213622.4(STAMBP):c.71C>T (p.Ala24Val)

Genes: STAMBP (STAM binding protein; plus strand), LOC126806253 (CDK7 strongly-dependent group 2 enhancer GRCh37_chr2:74057585-74058784; plus strand). Cytogenetic location: 2p13.1.
Variant type: single nucleotide variant.
Coding change: c.71C>T on transcript NM_213622.4 (MANE Select); coding-DNA position 71, C replaced by T.
Protein change: p.Ala24Val; replaces alanine 24 with valine.
Molecular consequence: missense variant. On other transcripts: 5 prime UTR variant (5), non-coding transcript variant (4), intron variant (1).
Genome position (GRCh38, 1-based): chr2:73,830,927, C>T. VCF-style: chr2-73830927-C-T. GRCh37 (hg19) VCF-style: chr2-74058054-C-T.
Other names: c.71C>T, p.Ala24Val (NM_001353967.2, NM_001353968.2, NM_001353969.2 and 3 more transcripts); c.-483C>T (NM_001353971.2, NM_001353973.2, NM_001353974.2 and 2 more transcripts); c.-203+1931C>T (NM_001353972.2); c.71C>T (NM_213622.2); short protein forms A24V.
Identifiers: ClinVar variation 1409709 (VCV001409709.9), dbSNP rs1479389015, ClinGen allele CA347303434.

ClinVar aggregate classification (germline): Uncertain significance. Review status: criteria provided, multiple submitters, no conflicts (2 of 4 stars). 2 submissions from 2 submitters: Uncertain significance (2). Last evaluated 2024-10-15.

Conditions:
Inborn genetic diseases. Identifiers: MedGen C0950123, MeSH D030342.

Allele frequency attached by ClinVar (database versions not stated): gnomAD exomes 0.00002; TOPMed 0.00002.
gnomAD v4.1: 38 of 1,614,048 alleles (0.0024%); highest among the groups gnomAD compares: Admixed American, 0.0033%; no homozygotes.

Submissions (2):

Labcorp Genetics (formerly Invitae), Labcorp
Classification: Uncertain significance. Last evaluated: 2024-10-15. Review status: criteria provided, single submitter. Criteria: Invitae Variant Classification Sherloc (09022015). Collection method: clinical testing. Allele origin: germline.
Comment: This sequence change replaces alanine, which is neutral and non-polar, with valine, which is neutral and non-polar, at codon 24 of the STAMBP protein (p.Ala24Val). This variant is present in population databases (no rsID available, gnomAD 0.006%). This variant has not been reported in the literature in individuals affected with STAMBP-related conditions. ClinVar contains an entry for this variant (Variation ID: 1409709). Invitae Evidence Modeling of protein sequence and biophysical properties (such as structural, functional, and spatial information, amino acid conservation, physicochemical variation, residue mobility, and thermodynamic stability) indicates that this missense variant is not expected to disrupt STAMBP protein function with a negative predictive value of 95%. In summary, the available evidence is currently insufficient to determine the role of this variant in disease. Therefore, it has been classified as a Variant of Uncertain Significance.

Ambry Genetics
Classification: Uncertain significance for Inborn genetic diseases. Last evaluated: 2021-11-02. Review status: criteria provided, single submitter. Criteria: Ambry Variant Classification Scheme 2023. Collection method: clinical testing. Allele origin: germline.